The following is an entry in ClinVar:

ClinVar aggregate classification (germline): Uncertain significance (1 of 4 stars; one submission).

Conditions:
Lipoic acid synthetase deficiency. Also called: HYPERGLYCINEMIA, LACTIC ACIDOSIS, AND SEIZURES. Identifiers: Orphanet 401859, MedGen C3280887, MONDO:0013762, OMIM 614462.

Allele frequency attached by ClinVar (database versions not stated): gnomAD exomes below 0.00001 and 0.00001; gnomAD 0.00001; ExAC 0.00002.

Submission:

Labcorp Genetics (formerly Invitae), Labcorp
Classification: Uncertain significance for Lipoic acid synthetase deficiency. Last evaluated: 2022-10-14. Review status: criteria provided, single submitter. Criteria: Invitae Variant Classification Sherloc (09022015). Collection method: clinical testing. Allele origin: germline.
Comment: This sequence change replaces glycine, which is neutral and non-polar, with arginine, which is basic and polar, at codon 121 of the LIAS protein (p.Gly121Arg). This variant is present in population databases (rs778779575, gnomAD 0.002%). This variant has not been reported in the literature in individuals affected with LIAS-related conditions. ClinVar contains an entry for this variant (Variation ID: 1062385). Advanced modeling of protein sequence and biophysical properties (such as structural, functional, and spatial information, amino acid conservation, physicochemical variation, residue mobility, and thermodynamic stability) performed at Invitae indicates that this missense variant is not expected to disrupt LIAS protein function. In summary, the available evidence is currently insufficient to determine the role of this variant in disease. Therefore, it has been classified as a Variant of Uncertain Significance.

NM_006859.4(LIAS):c.361G>A (p.Gly121Arg)

Gene: LIAS (lipoic acid synthetase; plus strand). Cytogenetic location: 4p14.
Variant type: single nucleotide variant.
Coding change: c.361G>A on transcript NM_006859.4 (MANE Select); coding-DNA position 361, G replaced by A.
Protein change: p.Gly121Arg; replaces glycine 121 with arginine.
Molecular consequence: missense variant. On other transcripts: synonymous variant (2).
Genome position (GRCh38, 1-based): chr4:39,463,573, G>A. VCF-style: chr4-39463573-G-A. GRCh37 (hg19) VCF-style: chr4-39465193-G-A.
Other names: c.361G>A, p.Gly121Arg (NM_001278590.2, NM_001278591.2, NM_194451.3); c.267G>A, p.Val89= (NM_001278592.2, NM_001363700.2); short protein forms G121R.
Identifiers: ClinVar variation 1062385 (VCV001062385.6), dbSNP rs778779575, ClinGen allele CA2894649.